The following is an entry in ClinVar:

ClinVar aggregate classification (germline): Likely pathogenic (1 of 4 stars; one submission).

Submission:

Labcorp Genetics (formerly Invitae), Labcorp
Classification: Likely pathogenic. Last evaluated: 2021-10-11. Review status: criteria provided, single submitter. Criteria: Invitae Variant Classification Sherloc (09022015). Collection method: clinical testing. Allele origin: germline.
Comment: In summary, the currently available evidence indicates that the variant is pathogenic, but additional data are needed to prove that conclusively. Therefore, this variant has been classified as Likely Pathogenic. Donor and acceptor splice site variants typically lead to a loss of protein function (PMID: 16199547), and loss-of-function variants in LRP5 are known to be pathogenic (PMID: 11719191, 11956231, 15824851, 16252235, 18602879, 25711638). This variant has not been reported in the literature in individuals with LRP5-related conditions. This variant is not present in population databases (ExAC no frequency). This sequence change affects a donor splice site in intron 18 of the LRP5 gene. It is expected to disrupt RNA splicing and likely results in an absent or disrupted protein product.

Literature cited by the submitters: PubMed 16199547; PubMed 11719191; PubMed 11956231; PubMed 15824851; PubMed 16252235; PubMed 18602879; PubMed 25711638.

NM_002335.4(LRP5):c.4000+1G>T

Gene: LRP5 (LDL receptor related protein 5; plus strand). Cytogenetic location: 11q13.2.
Variant type: single nucleotide variant.
Coding change: c.4000+1G>T on transcript NM_002335.4 (MANE Select); the canonical splice donor site of the intron after coding-DNA position 4000, G replaced by T.
Molecular consequence: splice donor variant.
Genome position (GRCh38, 1-based): chr11:68,433,839, G>T. VCF-style: chr11-68433839-G-T. GRCh37 (hg19) VCF-style: chr11-68201307-G-T.
Other names: c.2257+1G>T (NM_001291902.2).
Identifiers: ClinVar variation 947231 (VCV000947231.8), dbSNP rs2098673363, ClinGen allele CA381614072.